The following is an entry in ClinVar:

NM_004484.4(GPC3):c.667C>T (p.Leu223=)

Gene: GPC3 (glypican 3; minus strand). Cytogenetic location: Xq26.2.
Variant type: single nucleotide variant.
Coding change: c.667C>T on transcript NM_004484.4 (MANE Select); coding-DNA position 667, C replaced by T.
Protein change: p.Leu223=; no amino-acid change (leucine 223 retained).
Molecular consequence: synonymous variant.
Genome position (GRCh38, 1-based): chrX:133,753,847, G>A on the plus strand (C>T on the coding strand, the complement: GPC3 is on the minus strand). VCF-style: chrX-133753847-G-A. GRCh37 (hg19) VCF-style: chrX-132887874-G-A.
Other names: c.667C>T, p.Leu223= (NM_001164617.2); c.619C>T, p.Leu207= (NM_001164618.2); c.505C>T, p.Leu169= (NM_001164619.2).
Identifiers: ClinVar variation 383667 (VCV000383667.1), dbSNP rs1057521704, ClinGen allele CA16609127.

ClinVar aggregate classification (germline): Likely benign (1 of 4 stars; one submission).

Submission:

GeneDx
Classification: Likely benign. Last evaluated: 2016-02-11. Review status: criteria provided, single submitter. Criteria: GeneDx Variant Classification (06012015). Collection method: clinical testing. Allele origin: germline. Affected: yes.
Comment: This variant is considered likely benign or benign based on one or more of the following criteria: it is a conservative change, it occurs at a poorly conserved position in the protein, it is predicted to be benign by multiple in silico algorithms, and/or has population frequency not consistent with disease.